The following is an entry in ClinVar:

NM_201596.3(CACNB2):c.943C>T (p.Arg315Trp)

Gene: CACNB2 (calcium voltage-gated channel auxiliary subunit beta 2; plus strand). Cytogenetic location: 10p12.31.
Variant type: single nucleotide variant.
Coding change: c.943C>T on transcript NM_201596.3 (MANE Select); coding-DNA position 943, C replaced by T.
Protein change: p.Arg315Trp; replaces arginine 315 with tryptophan.
Molecular consequence: missense variant.
Genome position (GRCh38, 1-based): chr10:18,518,967, C>T. VCF-style: chr10-18518967-C-T. GRCh37 (hg19) VCF-style: chr10-18807896-C-T.
Other names: c.778C>T, p.Arg260Trp (NM_000724.4); c.745C>T, p.Arg249Trp (NM_001167945.2); c.664C>T, p.Arg222Trp (NM_001330060.2); c.685C>T, p.Arg229Trp (NM_001410882.1); c.799C>T, p.Arg267Trp (NM_201570.3); c.859C>T, p.Arg287Trp (NM_201571.4); c.787C>T, p.Arg263Trp (NM_201572.4); c.781C>T, p.Arg261Trp (NM_201590.3); and 2 more; short protein forms R222W, R229W, R267W, R291W, R261W, R277W, R249W, R260W.
Identifiers: ClinVar variation 1760764 (VCV001760764.8), dbSNP rs375029614, ClinGen allele CA5429825.

ClinVar aggregate classification (germline): Uncertain significance. Review status: criteria provided, multiple submitters, no conflicts (2 of 4 stars). 2 submissions from 2 submitters: Uncertain significance (2). Last evaluated 2025-12-22.

Conditions:
Cardiovascular phenotype. Identifiers: MedGen CN230736.
Brugada syndrome 4 (BRGDA4). Identifiers: Orphanet 130, MedGen C2678477, MONDO:0012743, OMIM 611876.

Allele frequency attached by ClinVar (database versions not stated): gnomAD 0.00001; ExAC 0.00003; TOPMed 0.00006; ESP Exome Variant Server 0.00008.
gnomAD v4.1: 19 of 1,613,144 alleles (0.0012%); highest among the groups gnomAD compares: East Asian, 0.0067%; no homozygotes.

Submissions (2):

Labcorp Genetics (formerly Invitae), Labcorp
Classification: Uncertain significance for Brugada syndrome 4. Last evaluated: 2025-12-22. Review status: criteria provided, single submitter. Criteria: Invitae Variant Classification Sherloc (09022015). Collection method: clinical testing. Allele origin: germline.
Comment: This sequence change replaces arginine, which is basic and polar, with tryptophan, which is neutral and slightly polar, at codon 261 of the CACNB2 protein (p.Arg261Trp). This variant is present in population databases (rs375029614, gnomAD 0.01%). This variant has not been reported in the literature in individuals affected with CACNB2-related conditions. ClinVar contains an entry for this variant (Variation ID: 1760764). An algorithm developed to predict the effect of missense changes on protein structure and function (PolyPhen-2) suggests that this variant is likely to be disruptive. In summary, the available evidence is currently insufficient to determine the role of this variant in disease. Therefore, it has been classified as a Variant of Uncertain Significance.

Ambry Genetics
Classification: Uncertain significance for Cardiovascular phenotype. Last evaluated: 2025-06-15. Review status: criteria provided, single submitter. Criteria: Ambry Variant Classification Scheme 2023. Collection method: clinical testing. Allele origin: germline.
Comment: The p.R261W variant (also known as c.781C>T), located in coding exon 8 of the CACNB2 gene, results from a C to T substitution at nucleotide position 781. The arginine at codon 261 is replaced by tryptophan, an amino acid with dissimilar properties. This amino acid position is conserved. In addition, this alteration is predicted to be deleterious by in silico analysis. Since supporting evidence is limited at this time, the clinical significance of this alteration remains unclear.